The following is an entry in ClinVar:

NM_000275.3(OCA2):c.1784+1G>C

Gene: OCA2 (OCA2 melanosomal transmembrane protein; minus strand). Cytogenetic location: 15q13.1.
Variant type: single nucleotide variant.
Coding change: c.1784+1G>C on transcript NM_000275.3 (MANE Select); the canonical splice donor site of the intron after coding-DNA position 1784, G replaced by C.
Molecular consequence: splice donor variant.
Genome position (GRCh38, 1-based): chr15:27,957,587, C>G on the plus strand (G>C on the coding strand, the complement: OCA2 is on the minus strand). VCF-style: chr15-27957587-C-G. GRCh37 (hg19) VCF-style: chr15-28202733-C-G.
Other names: c.1712+1G>C (NM_001300984.2).
Identifiers: ClinVar variation 3726688 (VCV003726688.2).

ClinVar aggregate classification (germline): Pathogenic (1 of 4 stars; one submission).

Submission:

Labcorp Genetics (formerly Invitae), Labcorp
Classification: Pathogenic. Last evaluated: 2024-12-05. Review status: criteria provided, single submitter. Criteria: Invitae Variant Classification Sherloc (09022015). Collection method: clinical testing. Allele origin: germline.
Comment: This sequence change affects a donor splice site in intron 16 of the OCA2 gene. It is expected to disrupt RNA splicing. Variants that disrupt the donor or acceptor splice site typically lead to a loss of protein function (PMID: 16199547), and loss-of-function variants in OCA2 are known to be pathogenic (PMID: 19865097, 21541274). This variant is not present in population databases (gnomAD no frequency). Disruption of this splice site has been observed in individual(s) with OCA2-related conditions (PMID: 22042571). Algorithms developed to predict the effect of sequence changes on RNA splicing suggest that this variant may disrupt the consensus splice site. For these reasons, this variant has been classified as Pathogenic.

Literature cited by the submitters: PubMed 16199547; PubMed 19865097; PubMed 21541274; PubMed 22042571.